The following is an entry in ClinVar:

NM_005076.5(CNTN2):c.584C>T (p.Ala195Val)

Gene: CNTN2 (contactin 2; plus strand). Cytogenetic location: 1q32.1.
Variant type: single nucleotide variant.
Coding change: c.584C>T on transcript NM_005076.5 (MANE Select); coding-DNA position 584, C replaced by T.
Protein change: p.Ala195Val; replaces alanine 195 with valine.
Molecular consequence: missense variant. On other transcripts: non-coding transcript variant (1).
Genome position (GRCh38, 1-based): chr1:205,059,180, C>T. VCF-style: chr1-205059180-C-T. GRCh37 (hg19) VCF-style: chr1-205028308-C-T.
Other names: c.584C>T, p.Ala195Val (NM_001346083.2); short protein forms A195V.
Identifiers: ClinVar variation 1524968 (VCV001524968.6), dbSNP rs2151190134, ClinGen allele CA344406796.

ClinVar aggregate classification (germline): Uncertain significance (1 of 4 stars; one submission).

Conditions:
Epilepsy, familial adult myoclonic, 5 (EPEO5). Also called: CORTICAL MYOCLONIC TREMOR WITH EPILEPSY, FAMILIAL, 5. Identifiers: Orphanet 86814, MedGen C3809374, MONDO:0014167, OMIM 615400.

Submission:

Labcorp Genetics (formerly Invitae), Labcorp
Classification: Uncertain significance for Epilepsy, familial adult myoclonic, 5. Last evaluated: 2021-10-13. Review status: criteria provided, single submitter. Criteria: Invitae Variant Classification Sherloc (09022015). Collection method: clinical testing. Allele origin: germline.
Comment: In summary, the available evidence is currently insufficient to determine the role of this variant in disease. Therefore, it has been classified as a Variant of Uncertain Significance. Advanced modeling of protein sequence and biophysical properties (such as structural, functional, and spatial information, amino acid conservation, physicochemical variation, residue mobility, and thermodynamic stability) performed at Invitae indicates that this missense variant is not expected to disrupt CNTN2 protein function. This variant has not been reported in the literature in individuals affected with CNTN2-related conditions. This variant is not present in population databases (ExAC no frequency). This sequence change replaces alanine with valine at codon 195 of the CNTN2 protein (p.Ala195Val). The alanine residue is highly conserved and there is a small physicochemical difference between alanine and valine.